The following is an entry in ClinVar:

ClinVar aggregate classification (germline): Conflicting classifications of pathogenicity. Review status: criteria provided, conflicting classifications (1 of 4 stars). 2 submissions from 2 submitters: Uncertain significance (1); Benign (1). Last evaluated 2024-04-25.

Conditions:
Keratosis follicularis (DAR). Also called: Darier disease; Darier's disease. Identifiers: Orphanet 218, MedGen C0022595, MONDO:0007417, OMIM 124200.

Allele frequency attached by ClinVar (database versions not stated): gnomAD 0.00003; TOPMed 0.00009; ExAC 0.00012; 1000 Genomes Project 30x 0.00016; 1000 Genomes Project 0.00020.
gnomAD v4.1: 26 of 1,614,238 alleles (0.0016%); highest among the groups gnomAD compares: East Asian, 0.056%; no homozygotes.

Submissions (2):

Women's Health and Genetics/Laboratory Corporation of America, LabCorp
Classification: Uncertain significance. Last evaluated: 2024-04-25. Review status: criteria provided, single submitter. Criteria: LabCorp Variant Classification Summary - May 2015. Collection method: clinical testing. Allele origin: germline.
Comment: Variant summary: ATP2A2 c.2982A>C (p.Ala994Ala) alters a non-conserved nucleotide located close to a canonical splice site and therefore could affect mRNA splicing, leading to a significantly altered protein sequence. Consensus agreement among computation tools predict no significant impact on normal splicing. However, these predictions have yet to be confirmed by functional studies. The variant allele was found at a frequency of 0.00011 in 251462 control chromosomes (gnomAD). To our knowledge, no occurrence of c.2982A>C in individuals affected with ATP2A2-Related Disorders and no experimental evidence demonstrating its impact on protein function have been reported. ClinVar contains an entry for this variant (Variation ID: 307187). Based on the evidence outlined above, the variant was classified as uncertain significance.

Illumina Laboratory Services, Illumina
Classification: Benign for Keratosis follicularis. Last evaluated: 2018-01-12. Review status: criteria provided, single submitter. Criteria: ICSL Variant Classification Criteria 13 December 2019. Collection method: clinical testing. Allele origin: germline.
Comment: This variant was observed in the ICSL laboratory as part of a predisposition screen in an ostensibly healthy population. It had not been previously curated by ICSL or reported in the Human Gene Mutation Database (HGMD: prior to June 1st, 2018), and was therefore a candidate for classification through an automated scoring system. Utilizing variant allele frequency, disease prevalence and penetrance estimates, and inheritance mode, an automated score was calculated to assess if this variant is too frequent to cause the disease. Based on the score and internal cut-off values, a variant classified as benign is not then subjected to further curation. The score for this variant resulted in a classification of benign for this disease.

NM_170665.4(ATP2A2):c.*3823A>C

Gene: ATP2A2 (ATPase sarcoplasmic/endoplasmic reticulum Ca2+ transporting 2; plus strand). Cytogenetic location: 12q24.11.
Variant type: single nucleotide variant.
Coding change: c.*3823A>C on transcript NM_170665.4 (MANE Select); 3823 bases downstream of the stop codon, A replaced by C.
Molecular consequence: 3 prime UTR variant. On other transcripts: synonymous variant (1).
Genome position (GRCh38, 1-based): chr12:110,350,293, A>C. VCF-style: chr12-110350293-A-C. GRCh37 (hg19) VCF-style: chr12-110788098-A-C.
Other names: c.2982A>C, p.Ala994= (NM_001681.4).
Identifiers: ClinVar variation 307187 (VCV000307187.6), dbSNP rs193112984, ClinGen allele CA6784335.
Genomic context (GRCh38, chr12:110,350,293, plus strand): 5'-ATTCTAACGTTTCCTCTCTGTATTTCATGAAGCTGATTTCCTCTCTCTTTCCTTTTCAGC[A>C]ATACTGGAGTAACCGCTTCCTAAACCATTTTGCAGAAATGTAAGGGTGTTCGGTTGCGTG-3'